The following is an entry in ClinVar:

ClinVar aggregate classification (germline): Likely benign (0 of 4 stars; one submission).

Conditions:
PLXNA3-related disorder. Also called: PLXNA3-related condition.

Allele frequency attached by ClinVar (database versions not stated): TOPMed 0.00002; gnomAD 0.00004; gnomAD exomes 0.00004; ExAC 0.00005; 1000 Genomes Project 30x 0.00042; 1000 Genomes Project 0.00053.
gnomAD v4.1: 52 of 1,207,832 alleles (0.0043%); highest among the groups gnomAD compares: South Asian, 0.083%; no homozygotes.

Submission:

PreventionGenetics, part of Exact Sciences
Classification: Likely benign for PLXNA3-related condition. Last evaluated: 2022-02-27. Review status: no assertion criteria provided. Collection method: clinical testing. Allele origin: germline.
Comment: This variant is classified as likely benign based on ACMG/AMP sequence variant interpretation guidelines (Richards et al. 2015 PMID: 25741868, with internal and published modifications).

NM_017514.5(PLXNA3):c.4989C>T (p.Gly1663=)

Gene: PLXNA3 (plexin A3; plus strand). Cytogenetic location: Xq28.
Variant type: single nucleotide variant.
Coding change: c.4989C>T on transcript NM_017514.5 (MANE Select); coding-DNA position 4989, C replaced by T.
Protein change: p.Gly1663=; no amino-acid change (glycine 1663 retained).
Molecular consequence: synonymous variant.
Genome position (GRCh38, 1-based): chrX:154,470,444, C>T. VCF-style: chrX-154470444-C-T. GRCh37 (hg19) VCF-style: chrX-153698787-C-T.
Identifiers: ClinVar variation 3050930 (VCV003050930.2), dbSNP rs782364397, ClinGen allele CA10565029.